The following is an entry in ClinVar:

NM_006755.2(TALDO1):c.562C>A (p.Pro188Thr)

Genes: TALDO1 (transaldolase 1; plus strand), LOC126861110 (CDK7 strongly-dependent group 2 enhancer GRCh37_chr11:762588-763787; plus strand). Cytogenetic location: 11p15.5.
Variant type: single nucleotide variant.
Coding change: c.562C>A on transcript NM_006755.2 (MANE Select); coding-DNA position 562, C replaced by A.
Protein change: p.Pro188Thr; replaces proline 188 with threonine.
Molecular consequence: missense variant.
Genome position (GRCh38, 1-based): chr11:763,444, C>A. VCF-style: chr11-763444-C-A. GRCh37 (hg19) VCF-style: chr11-763444-C-A.
Other names: short protein forms P188T.
Identifiers: ClinVar variation 1386136 (VCV001386136.6), dbSNP rs2133582267, ClinGen allele CA378935169.
Genomic context (GRCh38, chr11:763,444, plus strand): 5'-TTACTCTTCTCCTTCGCCCAGGCTGTGGCCTGTGCCGAGGCGGGTGTGACCCTCATCTCC[C>A]CATTTGTTGGGCGCATCCTTGATTGGCATGTGGCAAACACCGACAAGAAATCCTATGAGC-3'
Protein context (NP_006746.1, residues 178-198): CAEAGVTLIS[Pro188Thr]FVGRILDWHV

ClinVar aggregate classification (germline): Uncertain significance (1 of 4 stars; one submission).

Submission:

Labcorp Genetics (formerly Invitae), Labcorp
Classification: Uncertain significance. Last evaluated: 2022-06-27. Review status: criteria provided, single submitter. Criteria: Invitae Variant Classification Sherloc (09022015). Collection method: clinical testing. Allele origin: germline.
Comment: Algorithms developed to predict the effect of missense changes on protein structure and function are either unavailable or do not agree on the potential impact of this missense change (SIFT: "Deleterious"; PolyPhen-2: "Probably Damaging"; Align-GVGD: "Class C0"). In summary, the available evidence is currently insufficient to determine the role of this variant in disease. Therefore, it has been classified as a Variant of Uncertain Significance. This sequence change replaces proline, which is neutral and non-polar, with threonine, which is neutral and polar, at codon 188 of the TALDO1 protein (p.Pro188Thr). This variant is not present in population databases (gnomAD no frequency). This variant has not been reported in the literature in individuals affected with TALDO1-related conditions.